The following is an entry in ClinVar:

NM_006231.4(POLE):c.3646G>A (p.Gly1216Ser)

Gene: POLE (DNA polymerase epsilon, catalytic subunit; minus strand). Cytogenetic location: 12q24.33.
Variant type: single nucleotide variant.
Coding change: c.3646G>A on transcript NM_006231.4 (MANE Select); coding-DNA position 3646, G replaced by A.
Protein change: p.Gly1216Ser; replaces glycine 1216 with serine.
Molecular consequence: missense variant.
Genome position (GRCh38, 1-based): chr12:132,649,826, C>T on the plus strand (G>A on the coding strand, the complement: POLE is on the minus strand). VCF-style: chr12-132649826-C-T. GRCh37 (hg19) VCF-style: chr12-133226412-C-T.
Other names: c.3646G>A (NM_006231.2); short protein forms G1216S.
Identifiers: ClinVar variation 405776 (VCV000405776.14), dbSNP rs200114024, ClinGen allele CA6893152.

ClinVar aggregate classification (germline): Conflicting classifications of pathogenicity. Review status: criteria provided, conflicting classifications (1 of 4 stars). 3 submissions from 3 submitters: Uncertain significance (1); Likely benign (2). Last evaluated 2025-12-22.

Conditions:
Hereditary cancer-predisposing syndrome. Also called: Hereditary neoplastic syndrome; Tumor predisposition; Hereditary Cancer Syndrome; Neoplastic Syndromes, Hereditary. Identifiers: Orphanet 140162, MedGen C0027672, MeSH D009386, MONDO:0015356.

Allele frequency attached by ClinVar (database versions not stated): TOPMed 0.00007; ESP Exome Variant Server 0.00008; ExAC 0.00012; gnomAD 0.00013 and 0.00014.
gnomAD v4.1: 120 of 1,614,002 alleles (0.0074%); highest among the groups gnomAD compares: African/African-American, 0.0093%; no homozygotes.

Submissions (3):

Labcorp Genetics (formerly Invitae), Labcorp
Classification: Likely benign. Last evaluated: 2025-12-22. Review status: criteria provided, single submitter. Criteria: Invitae Variant Classification Sherloc (09022015). Collection method: clinical testing. Allele origin: germline.

Ambry Genetics
Classification: Likely benign for Hereditary cancer-predisposing syndrome. Last evaluated: 2024-12-13. Review status: criteria provided, single submitter. Criteria: Ambry Variant Classification Scheme 2023. Collection method: clinical testing. Allele origin: germline.

GeneDx
Classification: Uncertain significance. Last evaluated: 2024-10-13. Review status: criteria provided, single submitter. Criteria: GeneDx Variant Classification Process June 2021. Collection method: clinical testing. Allele origin: germline.
Comment: In silico analysis supports that this missense variant has a deleterious effect on protein structure/function; Has not been previously published as pathogenic or benign to our knowledge; This variant is associated with the following publications: (PMID: 28719003)